The following is an entry in ClinVar:

ClinVar aggregate classification (germline): Uncertain significance (1 of 4 stars; one submission).

Allele frequency attached by ClinVar (database versions not stated): gnomAD exomes below 0.00001.
gnomAD v4.1: 1 of 1,610,946 alleles (0.000062%); highest among the groups gnomAD compares: South Asian, 0.0011%; no homozygotes.

Submission:

Ambry Genetics
Classification: Uncertain significance. Last evaluated: 2022-08-22. Review status: criteria provided, single submitter. Criteria: Ambry Variant Classification Scheme 2023. Collection method: clinical testing. Allele origin: germline.
Comment: The p.P31S variant (also known as c.91C>T), located in coding exon 1 of the POLQ gene, results from a C to T substitution at nucleotide position 91. The proline at codon 31 is replaced by serine, an amino acid with similar properties. This amino acid position is conserved. In addition, this alteration is predicted to be tolerated by in silico analysis. Since supporting evidence is limited at this time, the clinical significance of this alteration remains unclear.

NM_199420.4(POLQ):c.91C>T (p.Pro31Ser)

Genes: POLQ (DNA polymerase theta; minus strand), LOC112872292 (Sharpr-MPRA regulatory region 30; plus strand). Cytogenetic location: 3q13.33.
Variant type: single nucleotide variant.
Coding change: c.91C>T on transcript NM_199420.4 (MANE Select); coding-DNA position 91, C replaced by T.
Protein change: p.Pro31Ser; replaces proline 31 with serine.
Molecular consequence: missense variant.
Genome position (GRCh38, 1-based): chr3:121,545,787, G>A on the plus strand (C>T on the coding strand, the complement: POLQ is on the minus strand). VCF-style: chr3-121545787-G-A. GRCh37 (hg19) VCF-style: chr3-121264634-G-A.
Other names: short protein forms P31S.
Identifiers: ClinVar variation 1766163 (VCV001766163.2), dbSNP rs2546828686, ClinGen allele CA354097268.
Genomic context (GRCh38, chr3:121,545,787, plus strand): 5'-CCTTCAGGCAGCGACCAAGGCCGGGCGGCGGGCTCAGCACGGACCCGGAGAGGAACTGGG[G>A]GCTGGCACTGCTGTCACCGCCGCTTCCCGAGAACGAATCTGAGCCTGATTCTGAACGCCG-3'
Protein context (NP_955452.3, residues 21-41): SGSGGDSSAS[Pro31Ser]QFLSGSVLSP